The following is an entry in ClinVar:

NM_003676.4(DEGS1):c.617T>C (p.Ile206Thr)

Gene: DEGS1 (delta 4-desaturase, sphingolipid 1; plus strand). Cytogenetic location: 1q42.11.
Variant type: single nucleotide variant.
Coding change: c.617T>C on transcript NM_003676.4 (MANE Select); coding-DNA position 617, T replaced by C.
Protein change: p.Ile206Thr; replaces isoleucine 206 with threonine.
Molecular consequence: missense variant.
Genome position (GRCh38, 1-based): chr1:224,190,111, T>C. VCF-style: chr1-224190111-T-C. GRCh37 (hg19) VCF-style: chr1-224377813-T-C.
Other names: c.617T>C, p.Ile206Thr (NM_001321541.2); c.509T>C, p.Ile170Thr (NM_001321542.2); c.617T>C (NM_003676.2); short protein forms I170T, I206T.
Identifiers: ClinVar variation 1486398 (VCV001486398.7), dbSNP rs752015398, ClinGen allele CA1413661.
Genomic context (GRCh38, chr1:224,190,111, plus strand): 5'-AAGTTATCAATACCGTGGCACAGGTCACTTTTGACATTTTAATTTATTACTTTTTGGGAA[T>C]TAAATCCTTAGTCTACATGTTGGCAGCATCTTTACTTGGCCTGGGTTTGCACCCAATTTC-3'
Protein context (NP_003667.1, residues 196-216): FDILIYYFLG[Ile206Thr]KSLVYMLAAS

ClinVar aggregate classification (germline): Uncertain significance. Review status: criteria provided, multiple submitters, no conflicts (2 of 4 stars). 2 submissions from 2 submitters: Uncertain significance (2). Last evaluated 2022-08-23.

Conditions:
Inborn genetic diseases. Identifiers: MedGen C0950123, MeSH D030342.

Allele frequency attached by ClinVar (database versions not stated): gnomAD exomes 0.00001; ExAC 0.00002.
gnomAD v4.1: 3 of 1,613,550 alleles (0.00019%); highest among the groups gnomAD compares: Admixed American, 0.005%; no homozygotes.

Submissions (2):

Labcorp Genetics (formerly Invitae), Labcorp
Classification: Uncertain significance. Last evaluated: 2022-08-23. Review status: criteria provided, single submitter. Criteria: Invitae Variant Classification Sherloc (09022015). Collection method: clinical testing. Allele origin: germline.
Comment: Algorithms developed to predict the effect of missense changes on protein structure and function (SIFT, PolyPhen-2, Align-GVGD) all suggest that this variant is likely to be tolerated. This sequence change replaces isoleucine, which is neutral and non-polar, with threonine, which is neutral and polar, at codon 206 of the DEGS1 protein (p.Ile206Thr). This variant is present in population databases (rs752015398, gnomAD 0.006%). This variant has not been reported in the literature in individuals affected with DEGS1-related conditions. ClinVar contains an entry for this variant (Variation ID: 1486398). In summary, the available evidence is currently insufficient to determine the role of this variant in disease. Therefore, it has been classified as a Variant of Uncertain Significance.

Ambry Genetics
Classification: Uncertain significance for Inborn genetic diseases. Last evaluated: 2021-11-10. Review status: criteria provided, single submitter. Criteria: Ambry Variant Classification Scheme 2023. Collection method: clinical testing. Allele origin: germline.